The following is an entry in ClinVar:

ClinVar aggregate classification (germline): Pathogenic (1 of 4 stars; one submission).

Submission:

GeneDx
Classification: Pathogenic. Last evaluated: 2018-08-30. Review status: criteria provided, single submitter. Criteria: GeneDx Variant Classification (06012015). Collection method: clinical testing. Allele origin: germline. Affected: yes.
Comment: The c.1890delT variant in the RYR1 gene has not been reported previously as a pathogenic variant nor as a benign variant, to our knowledge. The c.1890delT variant causes a frameshift starting with codon Leucine 631, changes this amino acid to a Cysteine residue, and creates a premature Stop codon at position 35 of the new reading frame, denoted p.Leu631CysfsX35. This variant is predicted to cause loss of normal protein function either through protein truncation or nonsense-mediated mRNA decay. The c.1890delT variant is not observed in large population cohorts (Lek et al., 2016). We interpret c.1890delT as a pathogenic variant.

NM_000540.3(RYR1):c.1890del (p.Leu631fs)

Gene: RYR1 (ryanodine receptor 1; plus strand). Cytogenetic location: 19q13.2.
Variant type: Deletion.
Coding change: c.1890del on transcript NM_000540.3 (MANE Select); coding-DNA position 1890, one base deleted (T; older notation c.1890delT).
Protein change: p.Leu631fs; shifts the reading frame from leucine 631.
Molecular consequence: frameshift variant.
Genome position (GRCh38, 1-based): chr19:38,457,595, T deleted; the last of 2 consecutive T bases (chr19:38,457,594-38,457,595); deleting either gives the same sequence. VCF-style (leftmost placement, unchanged base first): chr19-38457593-CT-C. GRCh37 (hg19) VCF-style: chr19-38948233-CT-C.
Other names: c.1890del, p.Leu631fs (NM_001042723.2); short protein forms L631fs.
Identifiers: ClinVar variation 817204 (VCV000817204.1), dbSNP rs1600683021, ClinGen allele CA915952941.